The following is an entry in ClinVar:

ClinVar aggregate classification (germline): Likely pathogenic (1 of 4 stars; one submission).

Conditions:
Evans syndrome, immunodeficiency, and premature immunosenescence associated with tripeptidyl-peptidase II deficiency. Identifiers: MedGen CN231723. Disease mechanism: loss of function.

Allele frequency attached by ClinVar (database versions not stated): gnomAD exomes below 0.00001.
gnomAD v4.1: 1 of 1,605,708 alleles (0.000062%); highest among the groups gnomAD compares: Non-Finnish European, 0.000085%; no homozygotes.

Submission:

Labcorp Genetics (formerly Invitae), Labcorp
Classification: Likely pathogenic for Evans syndrome, immunodeficiency, and premature immunosenescence associated with tripeptidyl-peptidase II deficiency. Last evaluated: 2025-06-01. Review status: criteria provided, single submitter. Criteria: Invitae Variant Classification Sherloc (09022015). Collection method: clinical testing. Allele origin: germline.
Comment: This sequence change affects a donor splice site in intron 23 of the TPP2 gene. It is expected to disrupt RNA splicing. Variants that disrupt the donor or acceptor splice site typically lead to a loss of protein function (PMID: 16199547), and loss-of-function variants in TPP2 are known to be pathogenic (PMID: 25414442). This variant is not present in population databases (gnomAD no frequency). This variant has not been reported in the literature in individuals affected with TPP2-related conditions. ClinVar contains an entry for this variant (Variation ID: 583012). Algorithms developed to predict the effect of sequence changes on RNA splicing suggest that this variant may disrupt the consensus splice site. In summary, the currently available evidence indicates that the variant is pathogenic, but additional data are needed to prove that conclusively. Therefore, this variant has been classified as Likely Pathogenic.

Literature cited by the submitters: PubMed 16199547; PubMed 25414442.

NM_001330588.2(TPP2):c.2952+1G>C

Gene: TPP2 (tripeptidyl peptidase 2; plus strand). Cytogenetic location: 13q33.1.
Variant type: single nucleotide variant.
Coding change: c.2952+1G>C on transcript NM_001330588.2 (MANE Select); the canonical splice donor site of the intron after coding-DNA position 2952, G replaced by C.
Molecular consequence: splice donor variant.
Genome position (GRCh38, 1-based): chr13:102,649,487, G>C. VCF-style: chr13-102649487-G-C. GRCh37 (hg19) VCF-style: chr13-103301837-G-C.
Other names: c.2952+1G>C (NM_001367947.1, NM_003291.4).
Identifiers: ClinVar variation 583012 (VCV000583012.7), dbSNP rs1566356753, ClinGen allele CA388502886.